The following is an entry in ClinVar:

ClinVar aggregate classification (germline): Benign/Likely benign. Review status: criteria provided, multiple submitters, no conflicts (2 of 4 stars). 3 submissions from 3 submitters: Benign (1); Likely benign (2). Last evaluated 2026-09-23.

Conditions:
Hereditary cancer-predisposing syndrome. Also called: Hereditary Cancer Syndrome; Tumor predisposition; Hereditary neoplastic syndrome; Neoplastic Syndromes, Hereditary. Identifiers: Orphanet 140162, MedGen C0027672, MeSH D009386, MONDO:0015356.
Neurofibromatosis, type 1 (NF1). Also called: Peripheral type neurofibromatosis; Neurofibromatosis, type I; VON RECKLINGHAUSEN DISEASE; NEUROFIBROMATOSIS, TYPE I, SOMATIC. Identifiers: Orphanet 636, MedGen C0027831, MONDO:0018975, OMIM 162200. Disease mechanism: loss of function.

Allele frequency attached by ClinVar (database versions not stated): gnomAD 0.00001; TOPMed 0.00001; ESP Exome Variant Server 0.00008; gnomAD exomes 0.00001 and below 0.00001; ExAC 0.00002.

Submissions (4):

Myriad Genetics, Inc.
Classification: Benign for Neurofibromatosis, type 1. Last evaluated: 2026-09-23. Review status: criteria provided, single submitter. Criteria: Myriad Autosomal Dominant, Autosomal Recessive and X-Linked Classification Criteria (2023). Collection method: clinical testing. Allele origin: unknown.
Comment: This variant is considered benign. This variant is a silent/synonymous amino acid change and it is not expected to impact splicing.

Labcorp Genetics (formerly Invitae), Labcorp
Classification: Likely benign for Neurofibromatosis, type 1. Last evaluated: 2024-11-11. Review status: criteria provided, single submitter. Criteria: Invitae Variant Classification Sherloc (09022015). Collection method: clinical testing. Allele origin: germline.

Ambry Genetics
Classification: Likely benign for Hereditary cancer-predisposing syndrome. Last evaluated: 2015-05-15. Review status: criteria provided, single submitter. Criteria: Ambry Autosomal Dominant and X-Linked criteria (10/2015). Collection method: clinical testing. Allele origin: germline. Observed: 1 variant allele.

Dr. Peter K. Rogan Lab, Western University
No classification provided (evidence only). Condition: Ovarian serous cystadenocarcinoma. Review status: no classification provided. Collection method: in vitro. Allele origin: not applicable. Functional consequence: retained intron. Not counted in ClinVar's aggregate classification.

NM_001042492.3(NF1):c.4212A>G (p.Ala1404=)

Gene: NF1 (neurofibromin 1; plus strand). Cytogenetic location: 17q11.2.
Variant type: single nucleotide variant.
Coding change: c.4212A>G on transcript NM_001042492.3 (MANE Select); coding-DNA position 4212, A replaced by G.
Protein change: p.Ala1404=; no amino-acid change (alanine 1404 retained).
Molecular consequence: synonymous variant.
Genome position (GRCh38, 1-based): chr17:31,258,382, A>G. VCF-style: chr17-31258382-A-G. GRCh37 (hg19) VCF-style: chr17-29585400-A-G.
Other names: c.4149A>G, p.Ala1383= (NM_000267.4).
Identifiers: ClinVar variation 231847 (VCV000231847.11), dbSNP rs376825167, ClinGen allele CA8486366.
Genomic context (GRCh38, chr17:31,258,382, plus strand): 5'-ATTCTCAACTCCTTGTTTTTAGGTGGTTAGCCAGCGTTTCCCTCAGAACAGCATCGGTGC[A>G]GTAGGAAGTGCCATGTTCCTCAGATTTATCAATCCTGCCATTGTCTCACCGTATGAAGCA-3'
Protein context (NP_001035957.1, residues 1394-1414): SQRFPQNSIG[Ala1404=]VGSAMFLRFI